The following is an entry in ClinVar:

NM_001267550.2(TTN):c.58874G>A (p.Trp19625Ter)

Genes: TTN (titin; minus strand), TTN-AS1 (TTN antisense RNA 1; plus strand). Cytogenetic location: 2q31.2.
Variant type: single nucleotide variant.
Coding change: c.58874G>A on transcript NM_001267550.2 (MANE Select); coding-DNA position 58874, G replaced by A.
Protein change: p.Trp19625Ter; replaces tryptophan 19625 with a stop codon.
Molecular consequence: nonsense.
Genome position (GRCh38, 1-based): chr2:178,593,334, C>T on the plus strand (G>A on the coding strand, the complement: TTN is on the minus strand). VCF-style: chr2-178593334-C-T. GRCh37 (hg19) VCF-style: chr2-179458061-C-T.
Other names: c.53951G>A, p.Trp17984Ter (NM_001256850.1); c.31679G>A, p.Trp10560Ter (NM_003319.4); c.51170G>A, p.Trp17057Ter (NM_133378.4); c.32054G>A, p.Trp10685Ter (NM_133432.3); c.32255G>A, p.Trp10752Ter (NM_133437.4); short protein forms W19625*, W10560*, W10685*, W10752*, W17984*, W17057*.
Identifiers: ClinVar variation 534974 (VCV000534974.10), dbSNP rs1553649122, ClinGen allele CA349501161.

ClinVar aggregate classification (germline): Likely pathogenic. Review status: criteria provided, multiple submitters, no conflicts (2 of 4 stars). 2 submissions from 2 submitters: Likely pathogenic (2). Last evaluated 2025-07-14.

Conditions:
Autosomal recessive limb-girdle muscular dystrophy type 2J (LGMDR10). Also called: Limb-girdle muscular dystrophy, type 2J; MUSCULAR DYSTROPHY, LIMB-GIRDLE, AUTOSOMAL RECESSIVE 10. Identifiers: Orphanet 140922, MedGen C1837342, MONDO:0012127, OMIM 608807.
Dilated cardiomyopathy 1G (CMD1G). Identifiers: Orphanet 154, MedGen C1858763, MONDO:0011400, OMIM 604145.
Cardiovascular phenotype. Identifiers: MedGen CN230736.

Submissions (2):

Ambry Genetics
Classification: Likely pathogenic for Cardiovascular phenotype. Last evaluated: 2025-07-14. Review status: criteria provided, single submitter. Criteria: Ambry Variant Classification Scheme 2023. Collection method: clinical testing. Allele origin: germline.
Comment: The p.W10560* variant (also known as c.31679G>A), located in coding exon 126 of the TTN gene, results from a G to A substitution at nucleotide position 31679. This exon is located in the A-band region of the N2-B isoform of the titin protein and is constitutively expressed in TTN transcripts (percent spliced in or PSI 100%). This variant was reported in individual(s) with features consistent with dilated cardiomyopathy (Ambry internal data). This variant is considered to be rare based on population cohorts in the Genome Aggregation Database (gnomAD). This variant is expected to result in loss of function by premature protein truncation or nonsense-mediated mRNA decay. While truncating variants in TTN are present in 1-3% of the general population, truncating variants in the A-band are the most common cause of dilated cardiomyopathy (Herman DS et al. N. Engl. J. Med., 2012 Feb;366:619-28; Roberts AM et al. Sci Transl Med, 2015 Jan;7:270ra6). TTN truncating variants encoded in constitutive exons (PSI >90%) have been found to be significantly associated with DCM regardless of their position in titin (Schafer S et al. Nat. Genet., 2017 01;49:46-53; Akhtar MM et al. Circ Heart Fail, 2020 Oct;13:e006832; Massier M et al. Clin Genet, 2025 Jan). Based on the majority of available evidence to date, this variant is likely to be pathogenic.

Labcorp Genetics (formerly Invitae), Labcorp
Classification: Likely pathogenic for Dilated cardiomyopathy 1G; Autosomal recessive limb-girdle muscular dystrophy type 2J. Last evaluated: 2025-02-27. Review status: criteria provided, single submitter. Criteria: Invitae Variant Classification Sherloc (09022015). Collection method: clinical testing. Allele origin: germline.
Comment: This sequence change creates a premature translational stop signal (p.Trp19625*) in the TTN gene. While this is not anticipated to result in nonsense mediated decay, it is expected to create a truncated TTN protein. This variant is not present in population databases (gnomAD no frequency). This variant has not been reported in the literature in individuals affected with TTN-related conditions. ClinVar contains an entry for this variant (Variation ID: 534974). This variant is located in the A band of TTN (PMID: 25589632). Truncating variants in this region are significantly overrepresented in patients affected with dilated cardiomyopathy (PMID: 25589632). Truncating variants in this region have also been reported in individuals affected with autosomal recessive centronuclear myopathy (PMID: 23975875). In summary, the currently available evidence indicates that the variant is pathogenic, but additional data are needed to prove that conclusively. Therefore, this variant has been classified as Likely Pathogenic.

Literature cited by the submitters: PubMed 25589632 (cited by Labcorp Genetics (formerly Invitae), Labcorp); PubMed 23975875 (cited by Labcorp Genetics (formerly Invitae), Labcorp).